The following is an entry in ClinVar:

ClinVar aggregate classification (germline): Uncertain significance (1 of 4 stars; one submission).

Conditions:
Inborn genetic diseases. Identifiers: MedGen C0950123, MeSH D030342.

Submission:

Ambry Genetics
Classification: Uncertain significance for Inborn genetic diseases. Last evaluated: 2026-07-06. Review status: criteria provided, single submitter. Criteria: Ambry Variant Classification Scheme 2023. Collection method: clinical testing. Allele origin: germline.
Comment: The p.G480S variant (also known as c.1438G>A), located in coding exon 5 of the GATA2 gene, results from a G to A substitution at nucleotide position 1438. The glycine at codon 480 is replaced by serine, an amino acid with similar properties. This amino acid position is conserved. In addition, the in silico prediction for this alteration is inconclusive. Based on the available evidence, the clinical significance of this variant remains unclear.

NM_032638.5(GATA2):c.1438G>A (p.Gly480Ser)

Gene: GATA2 (GATA binding protein 2; minus strand). Cytogenetic location: 3q21.3.
Variant type: single nucleotide variant.
Coding change: c.1438G>A on transcript NM_032638.5 (MANE Select); coding-DNA position 1438, G replaced by A.
Protein change: p.Gly480Ser; replaces glycine 480 with serine.
Molecular consequence: missense variant.
Genome position (GRCh38, 1-based): chr3:128,481,024, C>T on the plus strand (G>A on the coding strand, the complement: GATA2 is on the minus strand). VCF-style: chr3-128481024-C-T. GRCh37 (hg19) VCF-style: chr3-128199867-C-T.
Other names: c.1438G>A, p.Gly480Ser (NM_001145661.2); c.1396G>A, p.Gly466Ser (NM_001145662.1); short protein forms G466S, G480S.
Identifiers: ClinVar variation 5022198 (VCV005022198.1).
Genomic context (GRCh38, chr3:128,481,024, plus strand): 5'-AAGGGTTTGGTCCACCCATCCCGGGAGTGCCCGGTCCTCGACGTCCATCTGTTCCCTAGC[C>T]CATGGCGGTCACCATGCTGGACGGGTGGGGGTGGCCGAAGGAGAGGCTGGAGGAGGGGTG-3'
Protein context (NP_116027.2, residues 470-480): PHPSSMVTAM[Gly480Ser]